The following is an entry in ClinVar:

NM_000218.3(KCNQ1):c.1393+35379G>A

Genes: KCNQ1 (potassium voltage-gated channel subfamily Q member 1; plus strand), KCNQ1OT1 (KCNQ1 opposite strand/antisense transcript 1; minus strand). Cytogenetic location: 11p15.5.
Variant type: single nucleotide variant.
Coding change: c.1393+35379G>A on transcript NM_000218.3 (MANE Select); 35379 bases into the intron after coding-DNA position 1393, G replaced by A.
Molecular consequence: intron variant.
Genome position (GRCh38, 1-based): chr11:2,624,233, G>A. VCF-style: chr11-2624233-G-A. GRCh37 (hg19) VCF-style: chr11-2645463-G-A.
Other names: c.1123+35379G>A (NM_001406837.1); c.1297+35379G>A (NM_001406836.1); c.853+35379G>A (NM_001406838.1); c.1012+35379G>A (NM_181798.2).
Identifiers: ClinVar variation 2582885 (VCV002582885.25), dbSNP rs535063397, ClinGen allele CA216363827.

ClinVar aggregate classification (germline): Benign (1 of 4 stars; one submission).

Allele frequency attached by ClinVar (database versions not stated): TOPMed 0.00057; gnomAD 0.00061; gnomAD exomes 0.00085.
gnomAD v4.1: 296 of 398,380 alleles (0.074%); highest among the groups gnomAD compares: South Asian, 0.13%; 2 homozygotes.

Submission:

CeGaT Center for Human Genetics Tuebingen
Classification: Benign. Last evaluated: 2023-10-01. Review status: criteria provided, single submitter. Criteria: CeGaT Center For Human Genetics Tuebingen Variant Classification Criteria Version 2. Collection method: clinical testing. Allele origin: germline. Affected: yes. Observed: 3 variant alleles.
Comment: KCNQ1OT1: BS1, BS2